The following is an entry in ClinVar:

NM_153026.3(PRICKLE1):c.431G>T (p.Arg144Leu)

Gene: PRICKLE1 (prickle planar cell polarity protein 1; minus strand). Cytogenetic location: 12q12.
Variant type: single nucleotide variant.
Coding change: c.431G>T on transcript NM_153026.3 (MANE Select); coding-DNA position 431, G replaced by T.
Protein change: p.Arg144Leu; replaces arginine 144 with leucine.
Molecular consequence: missense variant.
Genome position (GRCh38, 1-based): chr12:42,468,783, C>A on the plus strand (G>T on the coding strand, the complement: PRICKLE1 is on the minus strand). VCF-style: chr12-42468783-C-A. GRCh37 (hg19) VCF-style: chr12-42862585-C-A.
Other names: c.431G>T, p.Arg144Leu (NM_001144881.2, NM_001144882.2, NM_001144883.2); short protein forms R144L.
Identifiers: ClinVar variation 1475265 (VCV001475265.8), dbSNP rs281865563, ClinGen allele CA384443995.
Genomic context (GRCh38, chr12:42,468,783, plus strand): 5'-AGCTCATTACACGTGAAACAGACAAAACAGGATGGGTGCCAGCACACACCAGGGCCCGCA[C>A]GGGAGGCGAACACTGCAACTTCACCTCCATTTATCTTCAAACCACACTACAAACAAATGG-3'
Protein context (NP_694571.2, residues 134-154): NGGEVAVFAS[Arg144Leu]AGPGVCWHPS

ClinVar aggregate classification (germline): Uncertain significance (1 of 4 stars; one submission).

Conditions:
Epilepsy, progressive myoclonic, 1B. Also called: PME. Identifiers: Orphanet 308, MedGen C2676254, MONDO:0012904, OMIM 612437.

gnomAD v4.1: 1 of 1,614,126 alleles (0.000062%); highest among the groups gnomAD compares: Non-Finnish European, 0.000085%; no homozygotes.

Submission:

Labcorp Genetics (formerly Invitae), Labcorp
Classification: Uncertain significance for Epilepsy, progressive myoclonic, 1B. Last evaluated: 2024-05-15. Review status: criteria provided, single submitter. Criteria: Invitae Variant Classification Sherloc (09022015). Collection method: clinical testing. Allele origin: germline.
Comment: This sequence change replaces arginine, which is basic and polar, with leucine, which is neutral and non-polar, at codon 144 of the PRICKLE1 protein (p.Arg144Leu). This variant is not present in population databases (gnomAD no frequency). This variant has not been reported in the literature in individuals affected with PRICKLE1-related conditions. ClinVar contains an entry for this variant (Variation ID: 1475265). Advanced modeling of protein sequence and biophysical properties (such as structural, functional, and spatial information, amino acid conservation, physicochemical variation, residue mobility, and thermodynamic stability) performed at Invitae indicates that this missense variant is expected to disrupt PRICKLE1 protein function with a positive predictive value of 80%. In summary, the available evidence is currently insufficient to determine the role of this variant in disease. Therefore, it has been classified as a Variant of Uncertain Significance.